The following is an entry in ClinVar:

NM_002609.4(PDGFRB):c.1378G>A (p.Glu460Lys)

Gene: PDGFRB (platelet derived growth factor receptor beta; minus strand). Cytogenetic location: 5q32.
Variant type: single nucleotide variant.
Coding change: c.1378G>A on transcript NM_002609.4 (MANE Select); coding-DNA position 1378, G replaced by A.
Protein change: p.Glu460Lys; replaces glutamic acid 460 with lysine.
Molecular consequence: missense variant.
Genome position (GRCh38, 1-based): chr5:150,129,958, C>T on the plus strand (G>A on the coding strand, the complement: PDGFRB is on the minus strand). VCF-style: chr5-150129958-C-T. GRCh37 (hg19) VCF-style: chr5-149509521-C-T.
Other names: c.1186G>A, p.Glu396Lys (NM_001355016.2); c.895G>A, p.Glu299Lys (NM_001355017.2); short protein forms E299K, E396K, E460K.
Identifiers: ClinVar variation 813699 (VCV000813699.4), dbSNP rs202179598, ClinGen allele CA3507995.
Genomic context (GRCh38, chr5:150,129,958, plus strand): 5'-CGTTAGTCTCCAGCTGGCTCTCCTCTTCGGAACTGTTCCCCAGCAGCGTGGGCGGCAGCT[C>T]ACGTGGACACCTGCCAGGAGAGCCGGTAGGGTTGGCTGCCAGCCCCTTCCCCTTGCAGAC-3'
Protein context (NP_002600.1, residues 450-470): ACRDLKRCPR[Glu460Lys]LPPTLLGNSS

ClinVar aggregate classification (germline): Uncertain significance. Review status: criteria provided, single submitter (1 of 4 stars). 2 submissions from 2 submitters: Uncertain significance (1). 1 of the submissions does not count toward it. Last evaluated 2024-10-29.

Conditions:
Skeletal overgrowth-craniofacial dysmorphism-hyperelastic skin-white matter lesions syndrome. Also called: SKELETAL OVERGROWTH WITH FACIAL DYSMORPHISM, HYPERELASTIC SKIN, WHITE MATTER LESIONS, AND NEUROLOGIC DETERIORATION; Kosaki overgrowth syndrome. Identifiers: Orphanet 477831, MedGen C4225270, MONDO:0014704, OMIM 616592.
Acroosteolysis-keloid-like lesions-premature aging syndrome. Also called: Premature aging syndrome, Penttinen type; Prematurely aged appearance, delayed bone maturation, acro-osteolysis, and brachydactyly; Progeroid syndrome, Penttinen type. Identifiers: Orphanet 363665, MedGen C1866182, MONDO:0011150, OMIM 601812.
Infantile myofibromatosis (IMF). Also called: Congenital generalized fibromatosis. Identifiers: Orphanet 2591, MedGen C0432284, MONDO:0016824.
Basal ganglia calcification, idiopathic, 4 (PFBC4). Also called: PRIMARY FAMILIAL BRAIN CALCIFICATION 4, AUTOSOMAL DOMINANT; Familial Idiopathic Basal Ganglia Calcification 4. Identifiers: Orphanet 1980, MedGen C3554321, MONDO:0014004, OMIM 615007.
Microcephaly. Also called: Microcephaly (disease). Identifiers: MedGen C4551563, MONDO:0001149, HP:0000252.

Allele frequency attached by ClinVar (database versions not stated): TOPMed below 0.00001; ExAC 0.00001; gnomAD exomes 0.00004 and 0.00002; 1000 Genomes Project 0.00020; gnomAD 0.00001 and 0.00002; 1000 Genomes Project 30x 0.00016.
gnomAD v4.1: 28 of 1,613,610 alleles (0.0017%); highest among the groups gnomAD compares: East Asian, 0.062%; no homozygotes.

Submissions (2):

Labcorp Genetics (formerly Invitae), Labcorp
Classification: Uncertain significance for Basal ganglia calcification, idiopathic, 4; Skeletal overgrowth-craniofacial dysmorphism-hyperelastic skin-white matter lesions syndrome; Infantile myofibromatosis; Acroosteolysis-keloid-like lesions-premature aging syndrome. Last evaluated: 2024-10-29. Review status: criteria provided, single submitter. Criteria: Invitae Variant Classification Sherloc (09022015). Collection method: clinical testing. Allele origin: germline.
Comment: This sequence change replaces glutamic acid, which is acidic and polar, with lysine, which is basic and polar, at codon 460 of the PDGFRB protein (p.Glu460Lys). This variant is present in population databases (rs202179598, gnomAD 0.02%). This variant has not been reported in the literature in individuals affected with PDGFRB-related conditions. ClinVar contains an entry for this variant (Variation ID: 813699). Invitae Evidence Modeling of protein sequence and biophysical properties (such as structural, functional, and spatial information, amino acid conservation, physicochemical variation, residue mobility, and thermodynamic stability) indicates that this missense variant is not expected to disrupt PDGFRB protein function with a negative predictive value of 80%. In summary, the available evidence is currently insufficient to determine the role of this variant in disease. Therefore, it has been classified as a Variant of Uncertain Significance.

Department of Pediatrics, Samsung Medical Center, Samsung Medical Center
Classification: Uncertain significance for Microcephaly. Review status: no assertion criteria provided. Criteria: ACMG Guidelines, 2015. Collection method: research. Allele origin: germline. Affected: yes. Not counted in ClinVar's aggregate classification.